The following is an entry in ClinVar:

NM_181486.4(TBX5):c.755G>C (p.Ser252Thr)

Gene: TBX5 (T-box transcription factor 5; minus strand). Cytogenetic location: 12q24.21.
Variant type: single nucleotide variant.
Coding change: c.755G>C on transcript NM_181486.4 (MANE Select); coding-DNA position 755, G replaced by C.
Protein change: p.Ser252Thr; replaces serine 252 with threonine.
Molecular consequence: missense variant.
Genome position (GRCh38, 1-based): chr12:114,385,476, C>G on the plus strand (G>C on the coding strand, the complement: TBX5 is on the minus strand). VCF-style: chr12-114385476-C-G. GRCh37 (hg19) VCF-style: chr12-114823281-C-G.
Other names: c.755G>C, p.Ser252Thr (NM_000192.3); c.605G>C, p.Ser202Thr (NM_080717.4); short protein forms S252T, S202T.
Identifiers: ClinVar variation 265264 (VCV000265264.5), dbSNP rs863223776, ClinGen allele CA10588541.
Genomic context (GRCh38, chr12:114,385,476, plus strand): 5'-TTACCTGGGTAATTTGAGGGGTATGTGGGGAGGAGAAAGTTGAGGAATCCACTTTCCTAC[C>G]TTTGCATTCTTGACATTCTGTGCAGCTCCATGTCATCACTGCCCCGAAATCCTTTGGCAA-3'
Protein context (NP_852259.1, residues 242-262): MELHRMSRMQ[Ser252Thr]KEYPVVPRST

ClinVar aggregate classification (germline): Likely pathogenic. Review status: criteria provided, multiple submitters, no conflicts (2 of 4 stars). 3 submissions from 3 submitters: Likely pathogenic (2). 1 of the submissions does not count toward it. Last evaluated 2025-03-27.

Conditions:
Aortic valve disease 2 (AOVD2). Identifiers: MedGen C3542024, MONDO:0013902, OMIM 614823.
Holt-Oram syndrome (HOS). Also called: TBX5-Related Holt-Oram Syndrome; Ventriculo-radial syndrome; Cardiac-limb syndrome; Heart-hand syndrome, type 1. Identifiers: Orphanet 392, MedGen C0265264, MONDO:0007732, OMIM 142900.

Submissions (3):

Labcorp Genetics (formerly Invitae), Labcorp
Classification: Likely pathogenic for Aortic valve disease 2. Last evaluated: 2025-03-27. Review status: criteria provided, single submitter. Criteria: Invitae Variant Classification Sherloc (09022015). Collection method: clinical testing. Allele origin: germline.
Comment: This sequence change replaces serine, which is neutral and polar, with threonine, which is neutral and polar, at codon 252 of the TBX5 protein (p.Ser252Thr). This variant also falls at the last nucleotide of exon 7, which is part of the consensus splice site for this exon. This variant is not present in population databases (gnomAD no frequency). This missense change has been observed in individual(s) with clinical features of Holt-Oram syndrome (internal data). ClinVar contains an entry for this variant (Variation ID: 265264). An algorithm developed to predict the effect of missense changes on protein structure and function (PolyPhen-2) suggests that this variant is likely to be disruptive. Variants that disrupt the consensus splice site are a relatively common cause of aberrant splicing (PMID: 17576681, 9536098). Algorithms developed to predict the effect of sequence changes on RNA splicing suggest that this variant may disrupt the consensus splice site. This variant disrupts the c.755G nucleotide in the TBX5 gene. Other variant(s) that disrupt this nucleotide have been determined to be pathogenic (PMID: 11183182, 12499378, 26859351). This suggests that this nucleotide is clinically significant, and that variants that disrupt this position are likely to be disease-causing. In summary, the currently available evidence indicates that the variant is pathogenic, but additional data are needed to prove that conclusively. Therefore, this variant has been classified as Likely Pathogenic.

GeneDx
Classification: Likely pathogenic. Last evaluated: 2015-12-08. Review status: criteria provided, single submitter. Criteria: GeneDx Variant Classification (06012015). Collection method: clinical testing. Allele origin: germline. Affected: yes.
Comment: The S252T missense variant has not been previously reported as disease causing nor as a benign polymorphism. It was not observed in approximately 6,500 individuals of European and African American ancestry in the NHLBI Exome Sequencing Project, indicating it is not a common benign variant in these populations. S252T alters the last base of exon 7, immediately 5' of the canonical GT" splice donor site. In silico analysis with several different splice algorithms predicts that this splice donor site is abolished or altered, potentially leading to aberrant gene splicing. In addition, two other nucleotide changes (G>T aka S252I and G>A aka S252N) at this highly conserved position have been seen in multiple patients referred for clinical testing for HOS at GeneDx. Although the effect of these variants on gene splicing has not yet been demonstrated, S252I has been reported in the literature in association with Holt-Oram syndrome (Cross et al., 2000). In summary, we consider S252T to be likely pathogenic; however, the possibility that it is benign cannot be excluded."

Centre de Biologie Pathologie Génétique, Centre Hospitalier Universitaire de Lille
Classification: Likely pathogenic for Holt-Oram syndrome. Last evaluated: 2018-06-14. Review status: no assertion criteria provided. Collection method: clinical testing. Allele origin: unknown. Affected: yes. Not counted in ClinVar's aggregate classification.

Literature cited by the submitters: PubMed 17576681 (cited by Labcorp Genetics (formerly Invitae), Labcorp); PubMed 9536098 (cited by Labcorp Genetics (formerly Invitae), Labcorp); PubMed 11183182 (cited by Labcorp Genetics (formerly Invitae), Labcorp); PubMed 12499378 (cited by Labcorp Genetics (formerly Invitae), Labcorp); PubMed 26859351 (cited by Labcorp Genetics (formerly Invitae), Labcorp).